The following is an entry in ClinVar:

NM_001372.4(DNAH9):c.5372C>T (p.Ala1791Val)

Gene: DNAH9 (dynein axonemal heavy chain 9; plus strand). Cytogenetic location: 17p12.
Variant type: single nucleotide variant.
Coding change: c.5372C>T on transcript NM_001372.4 (MANE Select); coding-DNA position 5372, C replaced by T.
Protein change: p.Ala1791Val; replaces alanine 1791 with valine.
Molecular consequence: missense variant.
Genome position (GRCh38, 1-based): chr17:11,704,423, C>T. VCF-style: chr17-11704423-C-T. GRCh37 (hg19) VCF-style: chr17-11607740-C-T.
Other names: short protein forms A1791V.
Identifiers: ClinVar variation 1601201 (VCV001601201.9), dbSNP rs562664594, ClinGen allele CA8395978.
Genomic context (GRCh38, chr17:11,704,423, plus strand): 5'-GAGACCGGCAGAAGATTATGACTATATGCACCATCGATGTGCATGCCCGGGATGTGGTAG[C>T]CAAGATGATTGCTCAGAAGGTGGGTCCCAAACATCCAGGGATGCCCACTTTTGTGTACAG-3'
Protein context (NP_001363.2, residues 1781-1801): TIDVHARDVV[Ala1791Val]KMIAQKVDNA

ClinVar aggregate classification (germline): Benign. Review status: criteria provided, multiple submitters, no conflicts (2 of 4 stars). 2 submissions from 2 submitters: Benign (2). Last evaluated 2026-07-01.

Allele frequency attached by ClinVar (database versions not stated): TOPMed 0.00008; gnomAD 0.00040; gnomAD exomes 0.00075 and 0.00144; ExAC 0.00161; 1000 Genomes Project 30x 0.00312; 1000 Genomes Project 0.00339.
gnomAD v4.1: 1,166 of 1,613,302 alleles (0.072%); highest among the groups gnomAD compares: South Asian, 1.2%; 21 homozygotes.

Submissions (2):

CeGaT Center for Human Genetics Tuebingen
Classification: Benign. Last evaluated: 2026-07-01. Review status: criteria provided, single submitter. Criteria: CeGaT Center For Human Genetics Tuebingen Variant Classification Criteria Version 2. Collection method: clinical testing. Allele origin: germline. Affected: yes. Observed: 1 variant allele.
Comment: DNAH9: BS1, BS2

Labcorp Genetics (formerly Invitae), Labcorp
Classification: Benign. Last evaluated: 2025-12-22. Review status: criteria provided, single submitter. Criteria: Invitae Variant Classification Sherloc (09022015). Collection method: clinical testing. Allele origin: germline.